The following is an entry in ClinVar:

NM_001519.4(BRF1):c.1533G>A (p.Lys511=)

Gene: BRF1 (BRF1 general transcription factor IIIB subunit; minus strand). Cytogenetic location: 14q32.33.
Variant type: single nucleotide variant.
Coding change: c.1533G>A on transcript NM_001519.4 (MANE Select); coding-DNA position 1533, G replaced by A.
Protein change: p.Lys511=; no amino-acid change (lysine 511 retained).
Molecular consequence: synonymous variant.
Genome position (GRCh38, 1-based): chr14:105,217,783, C>T on the plus strand (G>A on the coding strand, the complement: BRF1 is on the minus strand). VCF-style: chr14-105217783-C-T. GRCh37 (hg19) VCF-style: chr14-105684120-C-T.
Other names: c.1254G>A, p.Lys418= (NM_001242786.2); c.1188G>A, p.Lys396= (NM_001242787.2); c.1452G>A, p.Lys484= (NM_001242788.2); c.819G>A, p.Lys273= (NM_001242789.2); c.921G>A, p.Lys307= (NM_145685.3); c.1533G>A (NM_001519.3).
Identifiers: ClinVar variation 3024683 (VCV003024683.22), dbSNP rs754911544, ClinGen allele CA7387064.

ClinVar aggregate classification (germline): Likely benign. Review status: criteria provided, single submitter (1 of 4 stars). 2 submissions from 2 submitters: Likely benign (1). 1 of the submissions does not count toward it. Last evaluated 2024-01-01.

Conditions:
BRF1-related disorder. Also called: BRF1-related condition.

Allele frequency attached by ClinVar (database versions not stated): gnomAD exomes below 0.00001; ExAC 0.00002; gnomAD 0.00005; TOPMed 0.00005.
gnomAD v4.1: 9 of 1,612,020 alleles (0.00056%); highest among the groups gnomAD compares: African/African-American, 0.011%; no homozygotes.

Submissions (2):

CeGaT Center for Human Genetics Tuebingen
Classification: Likely benign. Last evaluated: 2024-01-01. Review status: criteria provided, single submitter. Criteria: CeGaT Center For Human Genetics Tuebingen Variant Classification Criteria Version 2. Collection method: clinical testing. Allele origin: germline. Affected: yes. Observed: 1 variant allele.
Comment: BRF1: BP4, BP7

PreventionGenetics, part of Exact Sciences
Classification: Likely benign for BRF1-related condition. Last evaluated: 2019-07-10. Review status: no assertion criteria provided. Collection method: clinical testing. Allele origin: germline. Not counted in ClinVar's aggregate classification.
Comment: This variant is classified as likely benign based on ACMG/AMP sequence variant interpretation guidelines (Richards et al. 2015 PMID: 25741868, with internal and published modifications).